The following is an entry in ClinVar:

NM_001278716.2(FBXL4):c.49A>T (p.Ile17Leu)

Gene: FBXL4 (F-box and leucine rich repeat protein 4; minus strand). Cytogenetic location: 6q16.2.
Variant type: single nucleotide variant.
Coding change: c.49A>T on transcript NM_001278716.2 (MANE Select); coding-DNA position 49, A replaced by T.
Protein change: p.Ile17Leu; replaces isoleucine 17 with leucine.
Molecular consequence: missense variant. On other transcripts: non-coding transcript variant (2).
Genome position (GRCh38, 1-based): chr6:98,926,940, T>A on the plus strand (A>T on the coding strand, the complement: FBXL4 is on the minus strand). VCF-style: chr6-98926940-T-A. GRCh37 (hg19) VCF-style: chr6-99374816-T-A.
Other names: c.49A>T, p.Ile17Leu (NM_012160.5); short protein forms I17L.
Identifiers: ClinVar variation 437522 (VCV000437522.5), dbSNP rs754509338, ClinGen allele CA3933754.

ClinVar aggregate classification (germline): Uncertain significance. Review status: criteria provided, multiple submitters, no conflicts (2 of 4 stars). 2 submissions from 2 submitters: Uncertain significance (2). Last evaluated 2022-04-04.

Conditions:
Mitochondrial DNA depletion syndrome 13. Also called: FBXL4-Related Encephalomyopathic Mitochondrial DNA Depletion Syndrome; Mitochondrial DNA depletion syndrome 13 (encephalomyopathic type). Identifiers: Orphanet 369897, MedGen C3809592, MONDO:0014198, OMIM 615471.

gnomAD v4.1: 8 of 1,614,156 alleles (0.0005%); highest among the groups gnomAD compares: South Asian, 0.0033%; no homozygotes.

Submissions (2):

Labcorp Genetics (formerly Invitae), Labcorp
Classification: Uncertain significance. Last evaluated: 2022-04-04. Review status: criteria provided, single submitter. Criteria: Invitae Variant Classification Sherloc (09022015). Collection method: clinical testing. Allele origin: germline.
Comment: This sequence change replaces isoleucine, which is neutral and non-polar, with leucine, which is neutral and non-polar, at codon 17 of the FBXL4 protein (p.Ile17Leu). This variant is present in population databases (rs754509338, gnomAD 0.006%). This variant has not been reported in the literature in individuals affected with FBXL4-related conditions. ClinVar contains an entry for this variant (Variation ID: 437522). Advanced modeling of protein sequence and biophysical properties (such as structural, functional, and spatial information, amino acid conservation, physicochemical variation, residue mobility, and thermodynamic stability) performed at Invitae indicates that this missense variant is not expected to disrupt FBXL4 protein function. In summary, the available evidence is currently insufficient to determine the role of this variant in disease. Therefore, it has been classified as a Variant of Uncertain Significance.

Wong Mito Lab, Molecular and Human Genetics, Baylor College of Medicine
Classification: Uncertain significance for Mitochondrial DNA depletion syndrome 13. Last evaluated: 2017-08-10. Review status: criteria provided, single submitter. Criteria: ACMG Guidelines, 2015. Collection method: reference population. Allele origin: germline.
Comment: The NM_012160.4:c.49A>T (NP_036292.2:p.Ile17Leu) [GRCH38: NC_000006.12:g.98926940T>A] variant in FBXL4 gene is interpretated to be a Uncertain Significance - Conflicting Evidence based on ACMG guidelines (PMID: 25741868). This variant meets one or more of the following evidence codes reported in the ACMG-guideline. PM2:This variant is absent in key population databases. BP4:Computational evidence/predictors indicate no impact on the FBXL4 structure, function, or protein-protein interaction. Based on this evidence code ClinGen Pathogenicity Calculator (PMID:28081714) suggested that the variant is Uncertain Significance - Conflicting Evidence.